The following is an entry in ClinVar:

ClinVar aggregate classification (germline): Uncertain significance. Review status: criteria provided, multiple submitters, no conflicts (2 of 4 stars). 2 submissions from 2 submitters: Uncertain significance (2). Last evaluated 2024-12-09.

Conditions:
CRB1-related disorder. Also called: CRB1-related condition; CRB1-related disorders.

gnomAD v4.1: 7 of 1,613,744 alleles (0.00043%); highest among the groups gnomAD compares: African/African-American, 0.004%; no homozygotes.

Submissions (2):

PreventionGenetics, part of Exact Sciences
Classification: Uncertain significance for CRB1-related condition. Last evaluated: 2024-12-09. Review status: criteria provided, single submitter. Criteria: ACMG Guidelines, 2015. Collection method: clinical testing. Allele origin: germline.
Comment: The CRB1 c.4118G>A variant is predicted to result in the amino acid substitution p.Arg1373Lys. To our knowledge, this variant has not been reported in the literature. This variant is reported in 0.00089% of alleles in individuals of European (Non-Finnish) descent in gnomAD. At this time, the clinical significance of this variant is uncertain due to the absence of conclusive functional and genetic evidence.

Blueprint Genetics
Classification: Uncertain significance. Last evaluated: 2018-11-06. Review status: criteria provided, single submitter. Criteria: ACMG Guidelines, 2015. Collection method: clinical testing. Allele origin: germline.

NM_201253.3(CRB1):c.4118G>A (p.Arg1373Lys)

Gene: CRB1 (crumbs cell polarity complex component 1; plus strand). Cytogenetic location: 1q31.3.
Variant type: single nucleotide variant.
Coding change: c.4118G>A on transcript NM_201253.3 (MANE Select); coding-DNA position 4118, G replaced by A.
Protein change: p.Arg1373Lys; replaces arginine 1373 with lysine.
Molecular consequence: missense variant. On other transcripts: non-coding transcript variant (2).
Genome position (GRCh38, 1-based): chr1:197,477,776, G>A. VCF-style: chr1-197477776-G-A. GRCh37 (hg19) VCF-style: chr1-197446906-G-A.
Other names: c.3782G>A, p.Arg1261Lys (NM_001193640.2); c.4046G>A, p.Arg1349Lys (NM_001257965.2); c.2510G>A, p.Arg837Lys (NM_001257966.2); c.4118G>A (NM_201253.2); short protein forms R1261K, R1349K, R1373K, R837K.
Identifiers: ClinVar variation 4927301 (VCV004927301.2).